The following is an entry in ClinVar:

ClinVar aggregate classification (germline): Conflicting classifications of pathogenicity. Review status: criteria provided, conflicting classifications (1 of 4 stars). 3 submissions from 3 submitters: Uncertain significance (2); Likely benign (1). Last evaluated 2024-09-13.

Conditions:
Hereditary breast ovarian cancer syndrome. Also called: Hereditary breast and ovarian cancer syndrome; BRCA1- and BRCA2-Associated Hereditary Breast and Ovarian Cancer; Hereditary breast and ovarian cancer syndrome (HBOC); Hereditary breast and/or ovarian cancer syndrome; Hereditary breast and ovarian cancer; Breast and ovarian cancer. Identifiers: Orphanet 145, MedGen C0677776, MeSH D061325, MONDO:0003582. Disease mechanism: loss of function.
Hereditary cancer-predisposing syndrome. Also called: Hereditary neoplastic syndrome; Tumor predisposition; Hereditary Cancer Syndrome; Neoplastic Syndromes, Hereditary. Identifiers: Orphanet 140162, MedGen C0027672, MeSH D009386, MONDO:0015356.

Allele frequency attached by ClinVar (database versions not stated): gnomAD exomes below 0.00001.
gnomAD v4.1: 1 of 1,614,212 alleles (0.000062%); highest among the groups gnomAD compares: Non-Finnish European, 0.000085%; no homozygotes.

Submissions (3):

Ambry Genetics
Classification: Uncertain significance for Hereditary cancer-predisposing syndrome. Last evaluated: 2024-09-13. Review status: criteria provided, single submitter. Criteria: Ambry Variant Classification Scheme 2023. Collection method: clinical testing. Allele origin: germline.
Comment: The p.H1244L variant (also known as c.3731A>T), located in coding exon 9 of the BRCA1 gene, results from an A to T substitution at nucleotide position 3731. The histidine at codon 1244 is replaced by leucine, an amino acid with similar properties. This amino acid position is conserved. In addition, this alteration is predicted to be tolerated by in silico analysis. Based on the available evidence, the clinical significance of this variant remains unclear.

University of Washington Department of Laboratory Medicine, University of Washington
Classification: Likely benign for Hereditary cancer-predisposing syndrome. Last evaluated: 2023-03-23. Review status: criteria provided, single submitter. Criteria: Dines et al. (Genet Med. 2020). Collection method: curation. Allele origin: germline.
Comment: Missense variant in a coldspot region where missense variants are very unlikely to be pathogenic (PMID:31911673).

BRCA1 coldspot (exon 11 using historical exon numbering). Reclassification based on statistical prior probability

Labcorp Genetics (formerly Invitae), Labcorp
Classification: Uncertain significance for Hereditary breast ovarian cancer syndrome. Last evaluated: 2022-09-13. Review status: criteria provided, single submitter. Criteria: Invitae Variant Classification Sherloc (09022015). Collection method: clinical testing. Allele origin: germline.
Comment: This sequence change replaces histidine, which is basic and polar, with leucine, which is neutral and non-polar, at codon 1244 of the BRCA1 protein (p.His1244Leu). This variant is not present in population databases (gnomAD no frequency). This variant has not been reported in the literature in individuals affected with BRCA1-related conditions. Advanced modeling of protein sequence and biophysical properties (such as structural, functional, and spatial information, amino acid conservation, physicochemical variation, residue mobility, and thermodynamic stability) performed at Invitae indicates that this missense variant is not expected to disrupt BRCA1 protein function. In summary, the available evidence is currently insufficient to determine the role of this variant in disease. Therefore, it has been classified as a Variant of Uncertain Significance.

NM_007294.4(BRCA1):c.3731A>T (p.His1244Leu)

Genes: BRCA1 (BRCA1 DNA repair associated; minus strand), LOC126862571 (BRD4-independent group 4 enhancer GRCh37_chr17:41243136-41244335; plus strand). Cytogenetic location: 17q21.31.
Variant type: single nucleotide variant.
Coding change: c.3731A>T on transcript NM_007294.4 (MANE Select); coding-DNA position 3731, A replaced by T.
Protein change: p.His1244Leu; replaces histidine 1244 with leucine.
Molecular consequence: missense variant. On other transcripts: intron variant (135).
Genome position (GRCh38, 1-based): chr17:43,091,800, T>A on the plus strand (A>T on the coding strand, the complement: BRCA1 is on the minus strand). VCF-style: chr17-43091800-T-A. GRCh37 (hg19) VCF-style: chr17-41243817-T-A.
Other names: c.3518A>T, p.His1173Leu (NM_001407571.1, NM_001407853.1, NM_001407894.1 and 9 more transcripts); c.3731A>T, p.His1244Leu (NM_001407581.1, NM_001407582.1, NM_001407583.1 and 30 more transcripts); c.3728A>T, p.His1243Leu (NM_001407587.1, NM_001407590.1, NM_001407591.1 and 22 more transcripts); c.3722A>T, p.His1241Leu (NM_001407646.1, NM_001407647.1); c.3608A>T, p.His1203Leu (NM_001407648.1, NM_001407664.1, NM_001407665.1 and 19 more transcripts); c.3605A>T, p.His1202Leu (NM_001407649.1, NM_001407670.1, NM_001407671.1 and 11 more transcripts); c.3653A>T, p.His1218Leu (NM_001407653.1, NM_001407654.1, NM_001407655.1 and 4 more transcripts); c.3650A>T, p.His1217Leu (NM_001407659.1, NM_001407660.1, NM_001407661.1 and 1 more transcripts); and 41 more; short protein forms H1116L, H1133L, H1155L, H1174L, H1217L, H1241L, H948L, H1173L.
Identifiers: ClinVar variation 2128271 (VCV002128271.7), dbSNP rs2154292030, ClinGen allele CA10594505.
Genomic context (GRCh38, chr17:43,091,800, plus strand): 5'-TTCAATGATAATAAATTCTCCTCTGTGTTCTTAGACAGACACTCGGTAGCAACGGTGCTA[T>A]GCCTAGTAGACTGAGAAGGTATATTGTTTACTTTACCAAATAACAAGTGTTGGAAGCAGG-3'
Protein context (NP_009225.1, residues 1234-1254): VNNIPSQSTR[His1244Leu]STVATECLSK